The following is an entry in ClinVar:

ClinVar aggregate classification (germline): Uncertain significance (1 of 4 stars; one submission).

Conditions:
C1QTNF5-related disorder. Also called: C1QTNF5-related condition.

Submission:

PreventionGenetics, part of Exact Sciences
Classification: Uncertain significance for C1QTNF5-related condition. Last evaluated: 2026-01-06. Review status: criteria provided, single submitter. Criteria: ACMG Guidelines, 2015. Collection method: clinical testing. Allele origin: germline.
Comment: The C1QTNF5 c.360C>G variant is predicted to result in the amino acid substitution p.Asp120Glu. To our knowledge, this variant has not been reported in the literature or in a large population database (gnomAD), indicating this variant is rare. At this time, the clinical significance of this variant is uncertain due to the absence of conclusive functional and genetic evidence.

NM_001278431.2(C1QTNF5):c.360C>G (p.Asp120Glu)

Genes: C1QTNF5 (C1q and TNF related 5; minus strand), MFRP (membrane frizzled-related protein; minus strand). Cytogenetic location: 11q23.3.
Variant type: single nucleotide variant.
Coding change: c.360C>G on transcript NM_001278431.2 (MANE Select); coding-DNA position 360, C replaced by G.
Protein change: p.Asp120Glu; replaces aspartic acid 120 with glutamic acid.
Molecular consequence: missense variant. On other transcripts: 3 prime UTR variant (1).
Genome position (GRCh38, 1-based): chr11:119,339,703, G>C on the plus strand (C>G on the coding strand, the complement: C1QTNF5 is on the minus strand). VCF-style: chr11-119339703-G-C. GRCh37 (hg19) VCF-style: chr11-119210413-G-C.
Other names: c.360C>G, p.Asp120Glu (NM_015645.5); c.*1256C>G (NM_031433.4); short protein forms D120E.
Identifiers: ClinVar variation 4979466 (VCV004979466.1).